The following is an entry in ClinVar:

ClinVar aggregate classification (germline): Pathogenic (1 of 4 stars; one submission).

Conditions:
Agenesis of the corpus callosum with peripheral neuropathy (ACCPN). Also called: CHARLEVOIX DISEASE; POLYNEUROPATHY, SENSORIMOTOR, WITH OR WITHOUT AGENESIS OF THE CORPUS CALLOSUM; HMSN/ACC; Hereditary Motor and Sensory Neuropathy with Agenesis of the Corpus Callosum. Identifiers: Orphanet 1496, MedGen C0795950, MONDO:0000902, OMIM 218000. Disease mechanism: loss of function.

Submission:

Myriad Genetics, Inc.
Classification: Pathogenic for Agenesis of the corpus callosum with peripheral neuropathy. Last evaluated: 2024-03-15. Review status: criteria provided, single submitter. Criteria: Myriad Autosomal Dominant, Autosomal Recessive and X-Linked Classification Criteria (2023). Collection method: clinical testing. Allele origin: unknown.
Comment: NM_133647.1(SLC12A6):c.929_930insGG(S311Dfs*6) is expected to be pathogenic in the context of Andermann syndrome. This variant is predicted to lead to an abnormal or absent protein product due to the creation of a premature termination codon in SLC12A6, a gene where loss-of-function variants are known to be pathogenic. Please note: this variant was assessed in the context of healthy population screening.

NM_001365088.1(SLC12A6):c.929_930insGG (p.Ser311fs)

Gene: SLC12A6 (solute carrier family 12 member 6; minus strand). Cytogenetic location: 15q14.
Variant type: Insertion.
Coding change: c.929_930insGG on transcript NM_001365088.1 (MANE Select); coding-DNA positions 929 to 930, GG inserted.
Protein change: p.Ser311fs; shifts the reading frame from serine 311.
Molecular consequence: frameshift variant.
Genome position: GRCh38 VCF-style: chr15-34254536-T-TCC. GRCh37 (hg19) VCF-style: chr15-34546737-T-TCC.
Other names: c.752_753insGG, p.Ser252fs (NM_001042494.2, NM_001042495.2); c.902_903insGG, p.Ser302fs (NM_001042496.2); c.884_885insGG, p.Ser296fs (NM_001042497.2); c.776_777insGG, p.Ser260fs (NM_005135.2); c.929_930insGG, p.Ser311fs (NM_133647.2); short protein forms S252fs, S260fs, S296fs, S302fs, S311fs.
Identifiers: ClinVar variation 5012822 (VCV005012822.1).
Genomic context (GRCh38, chr15:34,254,536, plus strand): 5'-TACCATAAGGACCAAGAAAGCTGTGCCGTAGACACGCATGTTATTTAGCATGGCTGCTGA[T>TCC]TCCTTGAGTGCGTCATCACTGTGAAAGATGGCAGCTCGGGGGACGATATAGACCTGTTAG-3'